The following is an entry in ClinVar:

NM_001042492.3(NF1):c.5224A>G (p.Asn1742Asp)

Gene: NF1 (neurofibromin 1; plus strand). Cytogenetic location: 17q11.2.
Variant type: single nucleotide variant.
Coding change: c.5224A>G on transcript NM_001042492.3 (MANE Select); coding-DNA position 5224, A replaced by G.
Protein change: p.Asn1742Asp; replaces asparagine 1742 with aspartic acid.
Molecular consequence: missense variant.
Genome position (GRCh38, 1-based): chr17:31,326,208, A>G. VCF-style: chr17-31326208-A-G. GRCh37 (hg19) VCF-style: chr17-29653226-A-G.
Other names: c.5161A>G, p.Asn1721Asp (NM_000267.4); short protein forms N1742D, N1721D.
Identifiers: ClinVar variation 940684 (VCV000940684.6), dbSNP rs2069337415, ClinGen allele CA399008213.

ClinVar aggregate classification (germline): Uncertain significance (1 of 4 stars; one submission).

Conditions:
Neurofibromatosis, type 1 (NF1). Also called: Peripheral type neurofibromatosis; VON RECKLINGHAUSEN DISEASE; Neurofibromatosis, type I; NEUROFIBROMATOSIS, TYPE I, SOMATIC. Identifiers: Orphanet 636, MedGen C0027831, MONDO:0018975, OMIM 162200. Disease mechanism: loss of function.

Allele frequency attached by ClinVar (database versions not stated): gnomAD exomes below 0.00001.
gnomAD v4.1: 2 of 1,612,726 alleles (0.00012%); highest among the groups gnomAD compares: Non-Finnish European, 0.00017%; no homozygotes.

Submission:

Labcorp Genetics (formerly Invitae), Labcorp
Classification: Uncertain significance for Neurofibromatosis, type 1. Last evaluated: 2024-04-25. Review status: criteria provided, single submitter. Criteria: Invitae Variant Classification Sherloc (09022015). Collection method: clinical testing. Allele origin: germline.
Comment: This sequence change replaces asparagine, which is neutral and polar, with aspartic acid, which is acidic and polar, at codon 1721 of the NF1 protein (p.Asn1721Asp). This variant is not present in population databases (gnomAD no frequency). This variant has not been reported in the literature in individuals affected with NF1-related conditions. ClinVar contains an entry for this variant (Variation ID: 940684). Advanced modeling of protein sequence and biophysical properties (such as structural, functional, and spatial information, amino acid conservation, physicochemical variation, residue mobility, and thermodynamic stability) has been performed at Invitae for this missense variant, however the output from this modeling did not meet the statistical confidence thresholds required to predict the impact of this variant on NF1 protein function. In summary, the available evidence is currently insufficient to determine the role of this variant in disease. Therefore, it has been classified as a Variant of Uncertain Significance.